The following is an entry in ClinVar:

ClinVar aggregate classification (germline): Uncertain significance (1 of 4 stars; one submission).

gnomAD v4.1: 1 of 1,613,938 alleles (0.000062%); highest among the groups gnomAD compares: East Asian, 0.0022%; no homozygotes.

Submission:

Labcorp Genetics (formerly Invitae), Labcorp
Classification: Uncertain significance. Last evaluated: 2024-06-25. Review status: criteria provided, single submitter. Criteria: Invitae Variant Classification Sherloc (09022015). Collection method: clinical testing. Allele origin: germline.
Comment: This sequence change replaces valine, which is neutral and non-polar, with aspartic acid, which is acidic and polar, at codon 1091 of the HMCN1 protein (p.Val1091Asp). This variant is not present in population databases (gnomAD no frequency). This variant has not been reported in the literature in individuals affected with HMCN1-related conditions. An algorithm developed to predict the effect of missense changes on protein structure and function (PolyPhen-2) suggests that this variant is likely to be disruptive. In summary, the available evidence is currently insufficient to determine the role of this variant in disease. Therefore, it has been classified as a Variant of Uncertain Significance.

NM_031935.3(HMCN1):c.3272T>A (p.Val1091Asp)

Gene: HMCN1 (hemicentin 1; plus strand). Cytogenetic location: 1q31.1.
Variant type: single nucleotide variant.
Coding change: c.3272T>A on transcript NM_031935.3 (MANE Select); coding-DNA position 3272, T replaced by A.
Protein change: p.Val1091Asp; replaces valine 1091 with aspartic acid.
Molecular consequence: missense variant.
Genome position (GRCh38, 1-based): chr1:185,990,338, T>A. VCF-style: chr1-185990338-T-A. GRCh37 (hg19) VCF-style: chr1-185959470-T-A.
Other names: short protein forms V1091D.
Identifiers: ClinVar variation 3623668 (VCV003623668.2).